The following is an entry in ClinVar:

NM_001171.6(ABCC6):c.4033A>T (p.Ile1345Phe)

Gene: ABCC6 (ATP binding cassette subfamily C member 6; minus strand). Cytogenetic location: 16p13.11.
Variant type: single nucleotide variant.
Coding change: c.4033A>T on transcript NM_001171.6 (MANE Select); coding-DNA position 4033, A replaced by T.
Protein change: p.Ile1345Phe; replaces isoleucine 1345 with phenylalanine.
Molecular consequence: missense variant. On other transcripts: non-coding transcript variant (1).
Genome position (GRCh38, 1-based): chr16:16,154,881, T>A on the plus strand (A>T on the coding strand, the complement: ABCC6 is on the minus strand). VCF-style: chr16-16154881-T-A. GRCh37 (hg19) VCF-style: chr16-16248738-T-A.
Other names: c.3691A>T, p.Ile1231Phe (NM_001351800.1); short protein forms I1231F, I1345F.
Identifiers: ClinVar variation 2757243 (VCV002757243.3), dbSNP rs63749800, ClinGen allele CA394875408.

ClinVar aggregate classification (germline): Likely pathogenic (1 of 4 stars; one submission).

Submission:

Labcorp Genetics (formerly Invitae), Labcorp
Classification: Likely pathogenic. Last evaluated: 2023-09-01. Review status: criteria provided, single submitter. Criteria: Invitae Variant Classification Sherloc (09022015). Collection method: clinical testing. Allele origin: germline.
Comment: In summary, the currently available evidence indicates that the variant is pathogenic, but additional data are needed to prove that conclusively. Therefore, this variant has been classified as Likely Pathogenic. Advanced modeling of protein sequence and biophysical properties (such as structural, functional, and spatial information, amino acid conservation, physicochemical variation, residue mobility, and thermodynamic stability) performed at Invitae indicates that this missense variant is expected to disrupt ABCC6 protein function. This missense change has been observed in individual(s) with clinical features of pseudoxanthoma elasticum (Invitae). This variant is not present in population databases (gnomAD no frequency). This sequence change replaces isoleucine, which is neutral and non-polar, with phenylalanine, which is neutral and non-polar, at codon 1345 of the ABCC6 protein (p.Ile1345Phe).